The following is an entry in ClinVar:

ClinVar aggregate classification (germline): Uncertain significance. Review status: criteria provided, multiple submitters, no conflicts (2 of 4 stars). 2 submissions from 2 submitters: Uncertain significance (2). Last evaluated 2021-09-16.

Conditions:
MEGF8-related Carpenter syndrome. Also called: Carpenter syndrome 2. Identifiers: Orphanet 65759, MedGen C3554247, MONDO:0013998, OMIM 614976.
Inborn genetic diseases. Identifiers: MedGen C0950123, MeSH D030342.

Allele frequency attached by ClinVar (database versions not stated): TOPMed 0.00004; gnomAD exomes 0.00001; gnomAD 0.00002; ExAC 0.00001.
gnomAD v4.1: 12 of 1,600,428 alleles (0.00075%); highest among the groups gnomAD compares: African/African-American, 0.008%; no homozygotes.

Submissions (2):

Ambry Genetics
Classification: Uncertain significance for Inborn genetic diseases. Last evaluated: 2021-09-16. Review status: criteria provided, single submitter. Criteria: Ambry Variant Classification Scheme 2023. Collection method: clinical testing. Allele origin: germline.

Labcorp Genetics (formerly Invitae), Labcorp
Classification: Uncertain significance for MEGF8-related Carpenter syndrome. Last evaluated: 2018-10-04. Review status: criteria provided, single submitter. Criteria: Invitae Variant Classification Sherloc (09022015). Collection method: clinical testing. Allele origin: germline.
Comment: This variant has not been reported in the literature in individuals with MEGF8-related disease. Algorithms developed to predict the effect of missense changes on protein structure and function are either unavailable or do not agree on the potential impact of this missense change (SIFT: "Tolerated"; PolyPhen-2: "Possibly Damaging"; Align-GVGD: "Class C0"). In summary, the available evidence is currently insufficient to determine the role of this variant in disease. Therefore, it has been classified as a Variant of Uncertain Significance. This sequence change replaces arginine with glutamine at codon 2498 of the MEGF8 protein (p.Arg2498Gln). The arginine residue is moderately conserved and there is a small physicochemical difference between arginine and glutamine. This variant is present in population databases (rs764185083, ExAC 0.002%).

NM_001271938.2(MEGF8):c.7694G>A (p.Arg2565Gln)

Gene: MEGF8 (multiple EGF like domains 8; plus strand). Cytogenetic location: 19q13.2.
Variant type: single nucleotide variant.
Coding change: c.7694G>A on transcript NM_001271938.2 (MANE Select); coding-DNA position 7694, G replaced by A.
Protein change: p.Arg2565Gln; replaces arginine 2565 with glutamine.
Molecular consequence: missense variant.
Genome position (GRCh38, 1-based): chr19:42,375,931, G>A. VCF-style: chr19-42375931-G-A. GRCh37 (hg19) VCF-style: chr19-42880083-G-A.
Other names: c.7493G>A, p.Arg2498Gln (NM_001410.3); short protein forms R2498Q, R2565Q.
Identifiers: ClinVar variation 663864 (VCV000663864.9), dbSNP rs764185083, ClinGen allele CA9476236.